The following is an entry in ClinVar:

NM_000245.4(MET):c.1238G>T (p.Arg413Leu)

Gene: MET (MET proto-oncogene, receptor tyrosine kinase; plus strand). Cytogenetic location: 7q31.2.
Variant type: single nucleotide variant.
Coding change: c.1238G>T on transcript NM_000245.4 (MANE Select); coding-DNA position 1238, G replaced by T.
Protein change: p.Arg413Leu; replaces arginine 413 with leucine.
Molecular consequence: missense variant. On other transcripts: 5 prime UTR variant (1).
Genome position (GRCh38, 1-based): chr7:116,731,705, G>T. VCF-style: chr7-116731705-G-T. GRCh37 (hg19) VCF-style: chr7-116371759-G-T.
Other names: c.1238G>T, p.Arg413Leu (NM_001127500.3, NM_001324401.3); c.-53G>T (NM_001324402.2); short protein forms R413L.
Identifiers: ClinVar variation 951132 (VCV000951132.10), dbSNP rs375391602, ClinGen allele CA368972746.

ClinVar aggregate classification (germline): Conflicting classifications of pathogenicity. Review status: criteria provided, conflicting classifications (1 of 4 stars). 2 submissions from 2 submitters: Uncertain significance (1); Likely benign (1). Last evaluated 2024-10-09.

Conditions:
Renal cell carcinoma. Identifiers: Orphanet 217071, MedGen C0007134, MeSH D002292, MONDO:0005086, HP:0005584.
Hereditary cancer-predisposing syndrome. Also called: Tumor predisposition; Hereditary neoplastic syndrome; Neoplastic Syndromes, Hereditary; Hereditary Cancer Syndrome. Identifiers: Orphanet 140162, MedGen C0027672, MeSH D009386, MONDO:0015356.

Submissions (2):

Ambry Genetics
Classification: Likely benign for Hereditary cancer-predisposing syndrome. Last evaluated: 2024-10-09. Review status: criteria provided, single submitter. Criteria: Ambry Variant Classification Scheme 2023. Collection method: clinical testing. Allele origin: germline.

Labcorp Genetics (formerly Invitae), Labcorp
Classification: Uncertain significance for Renal cell carcinoma. Last evaluated: 2022-01-13. Review status: criteria provided, single submitter. Criteria: Invitae Variant Classification Sherloc (09022015). Collection method: clinical testing. Allele origin: germline.
Comment: This sequence change replaces arginine, which is basic and polar, with leucine, which is neutral and non-polar, at codon 413 of the MET protein (p.Arg413Leu). This variant is not present in population databases (gnomAD no frequency). This variant has not been reported in the literature in individuals affected with MET-related conditions. ClinVar contains an entry for this variant (Variation ID: 951132). Algorithms developed to predict the effect of missense changes on protein structure and function (SIFT, PolyPhen-2, Align-GVGD) all suggest that this variant is likely to be tolerated. In summary, the available evidence is currently insufficient to determine the role of this variant in disease. Therefore, it has been classified as a Variant of Uncertain Significance.